The following is an entry in ClinVar:

NM_201590.3(CACNB2):c.13C>G (p.Arg5Gly)

Gene: CACNB2 (calcium voltage-gated channel auxiliary subunit beta 2; plus strand). Cytogenetic location: 10p12.32.
Variant type: single nucleotide variant.
Coding change: c.13C>G on transcript NM_201590.3 (MANE Plus Clinical); coding-DNA position 13, C replaced by G.
Protein change: p.Arg5Gly; replaces arginine 5 with glycine.
Molecular consequence: missense variant. On other transcripts: intron variant (8).
Genome position (GRCh38, 1-based): chr10:18,340,939, C>G. VCF-style: chr10-18340939-C-G. GRCh37 (hg19) VCF-style: chr10-18629868-C-G.
Other names: c.130-60985C>G (NM_201571.4, NM_001167945.2, NM_201572.4); c.214-60985C>G (NM_201596.3, NM_201593.3, NM_201597.3); c.49-60985C>G (NM_000724.4, NM_001330060.2); short protein forms R5G.
Identifiers: ClinVar variation 3709811 (VCV003709811.2).
Genomic context (GRCh38, chr10:18,340,939, plus strand): 5'-GAAGAAAATTCCTGCTGGAGTGCTGGGCGCACTTGGAATTGGTCTAGCATGCTTGACAGA[C>G]GCCTTATAGCTCCTCAAACTAAATACATTATTCCTGGGGTAAGCATACGGGAGAGAAGCC-3'
Protein context (NP_963884.2, residues 1-15): MLDR[Arg5Gly]LIAPQTKYII

ClinVar aggregate classification (germline): Uncertain significance (1 of 4 stars; one submission).

Conditions:
Brugada syndrome 4 (BRGDA4). Identifiers: Orphanet 130, MedGen C2678477, MONDO:0012743, OMIM 611876.

gnomAD v4.1: 2 of 1,614,092 alleles (0.00012%); highest among the groups gnomAD compares: Non-Finnish European, 0.00017%; no homozygotes.

Submission:

Labcorp Genetics (formerly Invitae), Labcorp
Classification: Uncertain significance for Brugada syndrome 4. Last evaluated: 2024-03-02. Review status: criteria provided, single submitter. Criteria: Invitae Variant Classification Sherloc (09022015). Collection method: clinical testing. Allele origin: germline.
Comment: This sequence change replaces arginine, which is basic and polar, with glycine, which is neutral and non-polar, at codon 5 of the CACNB2 protein (p.Arg5Gly). This variant is present in population databases (rs774231919, gnomAD 0.0009%). This variant has not been reported in the literature in individuals affected with CACNB2-related conditions. An algorithm developed to predict the effect of missense changes on protein structure and function (PolyPhen-2) suggests that this variant is likely to be tolerated. In summary, the available evidence is currently insufficient to determine the role of this variant in disease. Therefore, it has been classified as a Variant of Uncertain Significance.